The following is an entry in ClinVar:

ClinVar aggregate classification (germline): Uncertain significance. Review status: criteria provided, multiple submitters, no conflicts (2 of 4 stars). 3 submissions from 3 submitters: Uncertain significance (3). Last evaluated 2026-06-15.

Conditions:
Inborn genetic diseases. Identifiers: MedGen C0950123, MeSH D030342.
LZTFL1-related disorder. Also called: LZTFL1-related condition.

Allele frequency attached by ClinVar (database versions not stated): gnomAD 0.00001; gnomAD exomes 0.00001 and 0.00003; TOPMed 0.00001; ExAC 0.00005.
gnomAD v4.1: 19 of 1,612,482 alleles (0.0012%); highest among the groups gnomAD compares: Non-Finnish European, 0.0016%; no homozygotes.

Submissions (3):

PreventionGenetics, part of Exact Sciences
Classification: Uncertain significance for LZTFL1-related condition. Last evaluated: 2026-06-15. Review status: criteria provided, single submitter. Criteria: ACMG Guidelines, 2015. Collection method: clinical testing. Allele origin: germline.
Comment: The LZTFL1 c.798G>C variant is predicted to result in the amino acid substitution p.Gln266His. To our knowledge, this variant has not been reported in the literature. This variant is reported in 0.0070% of alleles in individuals of European (Non-Finnish) descent in gnomAD. At this time, the clinical significance of this variant is uncertain due to the absence of conclusive functional and genetic evidence.

Ambry Genetics
Classification: Uncertain significance for Inborn genetic diseases. Last evaluated: 2023-08-02. Review status: criteria provided, single submitter. Criteria: Ambry Variant Classification Scheme 2023. Collection method: clinical testing. Allele origin: germline.

Labcorp Genetics (formerly Invitae), Labcorp
Classification: Uncertain significance. Last evaluated: 2023-07-03. Review status: criteria provided, single submitter. Criteria: Invitae Variant Classification Sherloc (09022015). Collection method: clinical testing. Allele origin: germline.
Comment: This variant is present in population databases (rs765946304, gnomAD 0.007%). In summary, the available evidence is currently insufficient to determine the role of this variant in disease. Therefore, it has been classified as a Variant of Uncertain Significance. Advanced modeling of protein sequence and biophysical properties (such as structural, functional, and spatial information, amino acid conservation, physicochemical variation, residue mobility, and thermodynamic stability) performed at Invitae indicates that this missense variant is not expected to disrupt LZTFL1 protein function. ClinVar contains an entry for this variant (Variation ID: 943991). This variant has not been reported in the literature in individuals affected with LZTFL1-related conditions. This sequence change replaces glutamine, which is neutral and polar, with histidine, which is basic and polar, at codon 266 of the LZTFL1 protein (p.Gln266His).

NM_020347.4(LZTFL1):c.798G>C (p.Gln266His)

Gene: LZTFL1 (leucine zipper transcription factor like 1; minus strand). Cytogenetic location: 3p21.31.
Variant type: single nucleotide variant.
Coding change: c.798G>C on transcript NM_020347.4 (MANE Select); coding-DNA position 798, G replaced by C.
Protein change: p.Gln266His; replaces glutamine 266 with histidine.
Molecular consequence: missense variant. On other transcripts: non-coding transcript variant (1), intron variant (2).
Genome position (GRCh38, 1-based): chr3:45,827,439, C>G on the plus strand (G>C on the coding strand, the complement: LZTFL1 is on the minus strand). VCF-style: chr3-45827439-C-G. GRCh37 (hg19) VCF-style: chr3-45868931-C-G.
Other names: c.747G>C, p.Gln249His (NM_001276378.2, NM_001386451.1); c.765+1000G>C (NM_001276379.2); c.777+1000G>C (NM_001386452.1); c.798G>C (NM_020347.2); short protein forms Q266H, Q249H.
Identifiers: ClinVar variation 943991 (VCV000943991.9), dbSNP rs765946304, ClinGen allele CA2351854.